The following is an entry in ClinVar:

ClinVar aggregate classification (germline): Uncertain significance (1 of 4 stars; one submission).

Allele frequency attached by ClinVar (database versions not stated): gnomAD 0.00001; TOPMed 0.00001.
gnomAD v4.1: 8 of 1,613,910 alleles (0.0005%); highest among the groups gnomAD compares: Non-Finnish European, 0.00068%; no homozygotes.

Submission:

Labcorp Genetics (formerly Invitae), Labcorp
Classification: Uncertain significance. Last evaluated: 2022-08-16. Review status: criteria provided, single submitter. Criteria: Invitae Variant Classification Sherloc (09022015). Collection method: clinical testing. Allele origin: germline.
Comment: In summary, the available evidence is currently insufficient to determine the role of this variant in disease. Therefore, it has been classified as a Variant of Uncertain Significance. Algorithms developed to predict the effect of sequence changes on RNA splicing suggest that this variant may create or strengthen a splice site. This variant has not been reported in the literature in individuals affected with NBAS-related conditions. This variant is present in population databases (no rsID available, gnomAD 0.0009%). This sequence change affects codon 16 of the NBAS mRNA. It is a 'silent' change, meaning that it does not change the encoded amino acid sequence of the NBAS protein.

NM_015909.4(NBAS):c.48G>A (p.Glu16=)

Genes: NBAS (NBAS subunit of NRZ tethering complex; minus strand), LOC129933155 (ATAC-STARR-seq lymphoblastoid active region 15346; plus strand). Cytogenetic location: 2p24.3.
Variant type: single nucleotide variant.
Coding change: c.48G>A on transcript NM_015909.4 (MANE Select); coding-DNA position 48, G replaced by A.
Protein change: p.Glu16=; no amino-acid change (glutamic acid 16 retained).
Molecular consequence: synonymous variant. On other transcripts: non-coding transcript variant (1).
Genome position (GRCh38, 1-based): chr2:15,561,257, C>T on the plus strand (G>A on the coding strand, the complement: NBAS is on the minus strand). VCF-style: chr2-15561257-C-T. GRCh37 (hg19) VCF-style: chr2-15701381-C-T.
Identifiers: ClinVar variation 2182314 (VCV002182314.2), dbSNP rs1400591487, ClinGen allele CA424871969.